The following is an entry in ClinVar:

ClinVar aggregate classification (germline): Uncertain significance (1 of 4 stars; one submission).

gnomAD v4.1: 1 of 1,612,384 alleles (0.000062%); highest among the groups gnomAD compares: Non-Finnish European, 0.000085%; no homozygotes.

Submission:

GeneDx
Classification: Uncertain significance. Last evaluated: 2023-12-10. Review status: criteria provided, single submitter. Criteria: GeneDx Variant Classification Process June 2021. Collection method: clinical testing. Allele origin: germline. Affected: yes.
Comment: Not observed at significant frequency in large population cohorts (gnomAD); In silico analysis supports that this missense variant does not alter protein structure/function; Has not been previously published as pathogenic or benign to our knowledge; Variants in candidate genes are classified as variants of uncertain significance in accordance with ACMG guidelines (PMID: 25741868)

NM_001128.6(AP1G1):c.658G>C (p.Val220Leu)

Gene: AP1G1 (adaptor related protein complex 1 subunit gamma 1; minus strand). Cytogenetic location: 16q22.2.
Variant type: single nucleotide variant.
Coding change: c.658G>C on transcript NM_001128.6 (MANE Select); coding-DNA position 658, G replaced by C.
Protein change: p.Val220Leu; replaces valine 220 with leucine.
Molecular consequence: missense variant.
Genome position (GRCh38, 1-based): chr16:71,765,569, C>G on the plus strand (G>C on the coding strand, the complement: AP1G1 is on the minus strand). VCF-style: chr16-71765569-C-G. GRCh37 (hg19) VCF-style: chr16-71799472-C-G.
Other names: c.667G>C, p.Val223Leu (NM_001030007.2); short protein forms V220L, V223L.
Identifiers: ClinVar variation 3253181 (VCV003253181.1), dbSNP rs1412020371.